The following is an entry in ClinVar:

NM_017780.4(CHD7):c.2682A>T (p.Thr894=)

Gene: CHD7 (chromodomain helicase DNA binding protein 7; plus strand). Cytogenetic location: 8q12.2.
Variant type: single nucleotide variant.
Coding change: c.2682A>T on transcript NM_017780.4 (MANE Select); coding-DNA position 2682, A replaced by T.
Protein change: p.Thr894=; no amino-acid change (threonine 894 retained).
Molecular consequence: synonymous variant. On other transcripts: intron variant (1).
Genome position (GRCh38, 1-based): chr8:60,820,075, A>T. VCF-style: chr8-60820075-A-T. GRCh37 (hg19) VCF-style: chr8-61732634-A-T.
Other names: c.1716+39025A>T (NM_001316690.1).
Identifiers: ClinVar variation 3050127 (VCV003050127.2), dbSNP rs2487793369, ClinGen allele CA460845579.

ClinVar aggregate classification (germline): Likely benign (0 of 4 stars; one submission).

Conditions:
CHD7-related disorder. Also called: CHD7-related condition.

Submission:

PreventionGenetics, part of Exact Sciences
Classification: Likely benign for CHD7-related condition. Last evaluated: 2023-02-03. Review status: no assertion criteria provided. Collection method: clinical testing. Allele origin: germline.
Comment: This variant is classified as likely benign based on ACMG/AMP sequence variant interpretation guidelines (Richards et al. 2015 PMID: 25741868, with internal and published modifications).